The following is an entry in ClinVar:

ClinVar aggregate classification (germline): Uncertain significance. Review status: criteria provided, multiple submitters, no conflicts (2 of 4 stars). 6 submissions from 6 submitters: Uncertain significance (5). 1 of the submissions does not count toward it. Last evaluated 2025-06-02.

Conditions:
Developmental and epileptic encephalopathy, 9 (DEE9). Also called: Early infantile epileptic encephalopathy 9; EPILEPSY, FEMALE-RESTRICTED, WITH MENTAL RETARDATION; PCDH19-Related X-Linked Female-Limited Epilepsy with Mental Retardation; JUBERG-HELLMAN SYNDROME. Identifiers: Orphanet 101039, Orphanet 2076, MedGen C1848137, MONDO:0010246, OMIM 300088. Disease mechanism: loss of function.
Neurodevelopmental disorder with epilepsy.

Allele frequency attached by ClinVar (database versions not stated): gnomAD exomes below 0.00001 and 0.00001; TOPMed 0.00002; gnomAD 0.00004.
gnomAD v4.1: 6 of 1,207,697 alleles (0.0005%); highest among the groups gnomAD compares: Non-Finnish European, 0.00067%; no homozygotes.

Submissions (6):

Labcorp Genetics (formerly Invitae), Labcorp
Classification: Uncertain significance for Developmental and epileptic encephalopathy, 9. Last evaluated: 2025-06-02. Review status: criteria provided, single submitter. Criteria: Invitae Variant Classification Sherloc (09022015). Collection method: clinical testing. Allele origin: germline.
Comment: This sequence change replaces asparagine, which is neutral and polar, with serine, which is neutral and polar, at codon 75 of the PCDH19 protein (p.Asn75Ser). This variant is present in population databases (rs796052790, gnomAD 0.005%). This variant has not been reported in the literature in individuals affected with PCDH19-related conditions. ClinVar contains an entry for this variant (Variation ID: 206292). Invitae Evidence Modeling of protein sequence and biophysical properties (such as structural, functional, and spatial information, amino acid conservation, physicochemical variation, residue mobility, and thermodynamic stability) indicates that this missense variant is not expected to disrupt PCDH19 protein function with a negative predictive value of 95%. In summary, the available evidence is currently insufficient to determine the role of this variant in disease. Therefore, it has been classified as a Variant of Uncertain Significance.

Department of Pathology and Laboratory Medicine, Sinai Health System
Classification: Uncertain significance for Developmental and epileptic encephalopathy, 9. Last evaluated: 2023-11-29. Review status: criteria provided, single submitter. Criteria: ACMG Guidelines, 2015. Collection method: research. Allele origin: germline.

Genetic Services Laboratory, University of Chicago
Classification: Uncertain significance. Last evaluated: 2020-01-09. Review status: criteria provided, single submitter. Criteria: ACMG Guidelines, 2015. Collection method: clinical testing. Allele origin: germline. Affected: no.
Comment: DNA sequence analysis of the PCDH19 gene demonstrated a sequence change, c.224A>G, in exon 1 that results in an amino acid change, p.Asn75Ser. This sequence change does not appear to have been previously described in patients with PCDH19-related disorders. This particular sequence change has been described in the gnomAD database in two individuals in the hemizygous state which corresponds to a population frequency of 0.00099% (dbSNP rs796052790). The p.Asn75Ser change affects a moderately conserved amino acid residue located in a domain of the PCDH19 protein that is known to be functional. The p.Asn75Ser substitution appears to be benign using several in-silico pathogenicity prediction tools (SIFT, PolyPhen2, Align GVGD, REVEL). Due to these contrasting evidences and the lack of functional studies, the clinical significance of the p.Asn75Ser change remains unknown at this time.

GeneDx
Classification: Uncertain significance. Last evaluated: 2019-08-16. Review status: criteria provided, single submitter. Criteria: GeneDx Variant Classification Process June 2021. Collection method: clinical testing. Allele origin: germline. Affected: yes.
Comment: The majority of missense variants in this gene are considered pathogenic (Stenson et al., 2014); In silico analysis, which includes protein predictors and evolutionary conservation, supports a deleterious effect; Has not been previously published as pathogenic or benign to our knowledge

Fulgent Genetics
Classification: Uncertain significance for Developmental and epileptic encephalopathy, 9. Last evaluated: 2018-10-31. Review status: criteria provided, single submitter. Criteria: ACMG Guidelines, 2015. Collection method: clinical testing. Allele origin: unknown.

Neurogenetics Research Program, University of Adelaide
Classification: Benign for Neurodevelopmental disorder with epilepsy. Last evaluated: 2019-12-20. Review status: no assertion criteria provided. Collection method: research. Allele origin: unknown. Affected: yes. Not counted in ClinVar's aggregate classification.

NM_001184880.2(PCDH19):c.224A>G (p.Asn75Ser)

Gene: PCDH19 (protocadherin 19; minus strand). Cytogenetic location: Xq22.1.
Variant type: single nucleotide variant.
Coding change: c.224A>G on transcript NM_001184880.2 (MANE Select); coding-DNA position 224, A replaced by G.
Protein change: p.Asn75Ser; replaces asparagine 75 with serine.
Molecular consequence: missense variant.
Genome position (GRCh38, 1-based): chrX:100,408,374, T>C on the plus strand (A>G on the coding strand, the complement: PCDH19 is on the minus strand). VCF-style: chrX-100408374-T-C. GRCh37 (hg19) VCF-style: chrX-99663372-T-C.
Other names: p.N75S:AAT>AGT; c.224A>G, p.Asn75Ser (NM_001105243.2, NM_020766.3); short protein forms N75S.
Identifiers: ClinVar variation 206292 (VCV000206292.18), dbSNP rs796052790, ClinGen allele CA316233.